The following is an entry in ClinVar:

NM_000094.4(COL7A1):c.5125-10C>T

Gene: COL7A1 (collagen type VII alpha 1 chain; minus strand). Cytogenetic location: 3p21.31.
Variant type: single nucleotide variant.
Coding change: c.5125-10C>T on transcript NM_000094.4 (MANE Select); 10 bases into the intron before coding-DNA position 5125, C replaced by T.
Molecular consequence: intron variant.
Genome position (GRCh38, 1-based): chr3:48,579,824, G>A on the plus strand (C>T on the coding strand, the complement: COL7A1 is on the minus strand). VCF-style: chr3-48579824-G-A. GRCh37 (hg19) VCF-style: chr3-48617257-G-A.
Other names: c.5125-10C>T (NM_000094.3).
Identifiers: ClinVar variation 1164383 (VCV001164383.10), dbSNP rs768482060, ClinGen allele CA2379644.

ClinVar aggregate classification (germline): Benign. Review status: criteria provided, single submitter (1 of 4 stars). 3 submissions from 3 submitters: Benign (1). 2 of the submissions do not count toward it. Last evaluated 2025-08-28.

Conditions:
Epidermolysis bullosa dystrophica. Also called: Dystrophic epidermolysis bullosa; Dystrophic epidermolysis bullosa, Hallopeau-Siemens type (formerly). Identifiers: Orphanet 303, MedGen C0079294, MONDO:0006543.
COL7A1-related disorder. Also called: COL7A1-related condition; COL7A1- related disorders.

Allele frequency attached by ClinVar (database versions not stated): TOPMed 0.00001; gnomAD 0.00006; gnomAD exomes 0.00024; ExAC 0.00035.
gnomAD v4.1: 216 of 1,613,978 alleles (0.013%); highest among the groups gnomAD compares: South Asian, 0.21%; 2 homozygotes.

Submissions (3):

Labcorp Genetics (formerly Invitae), Labcorp
Classification: Benign. Last evaluated: 2025-08-28. Review status: criteria provided, single submitter. Criteria: Invitae Variant Classification Sherloc (09022015). Collection method: clinical testing. Allele origin: germline.

PreventionGenetics, part of Exact Sciences
Classification: Likely benign for COL7A1-related condition. Last evaluated: 2024-09-23. Review status: no assertion criteria provided. Collection method: clinical testing. Allele origin: germline. Not counted in ClinVar's aggregate classification.
Comment: This variant is classified as likely benign based on ACMG/AMP sequence variant interpretation guidelines (Richards et al. 2015 PMID: 25741868, with internal and published modifications).

Natera, Inc.
Classification: Benign for Dystrophic epidermolysis bullosa. Last evaluated: 2020-04-30. Review status: no assertion criteria provided. Collection method: clinical testing. Allele origin: germline. Not counted in ClinVar's aggregate classification.